The following is an entry in ClinVar:

ClinVar aggregate classification (germline): Uncertain significance (1 of 4 stars; one submission).

Conditions:
Oto-palato-digital syndrome, type II (OPD2). Also called: FACIOPALATOOSSEOUS SYNDROME; OPD II SYNDROME; Otopalatodigital Syndrome, Type II; Otopalatodigital Syndrome Type 2 (FLNA-OPD2). Identifiers: Orphanet 669, Orphanet 90652, MedGen C1844696, MONDO:0010571, OMIM 304120.
Heterotopia, periventricular, X-linked dominant (PVNH1). Also called: PERIVENTRICULAR NODULAR HETEROTOPIA 1; X-linked periventricular heterotopia; PERIVENTRICULAR NODULAR HETEROTOPIA 4; HETEROTOPIA, PERIVENTRICULAR, 1. Identifiers: Orphanet 2149, Orphanet 82004, MedGen C1848213, MONDO:0010233, OMIM 300049.
Frontometaphyseal dysplasia (FMD1). Identifiers: Orphanet 1826, MedGen C0265293, MONDO:0015942.
Melnick-Needles syndrome (MNS). Also called: MELNICK-NEEDLES OSTEODYSPLASTY; OSTEODYSPLASTY OF MELNICK AND NEEDLES; Melnick-Needles Syndrome (FLNA-MNS). Identifiers: Orphanet 2484, MedGen C0025237, MONDO:0010650, OMIM 309350.

Submission:

Labcorp Genetics (formerly Invitae), Labcorp
Classification: Uncertain significance for Oto-palato-digital syndrome, type II; Heterotopia, periventricular, X-linked dominant; Frontometaphyseal dysplasia; Melnick-Needles syndrome. Last evaluated: 2023-04-11. Review status: criteria provided, single submitter. Criteria: Invitae Variant Classification Sherloc (09022015). Collection method: clinical testing. Allele origin: germline.
Comment: In summary, the available evidence is currently insufficient to determine the role of this variant in disease. Therefore, it has been classified as a Variant of Uncertain Significance. Advanced modeling of protein sequence and biophysical properties (such as structural, functional, and spatial information, amino acid conservation, physicochemical variation, residue mobility, and thermodynamic stability) performed at Invitae indicates that this missense variant is not expected to disrupt FLNA protein function. This variant has not been reported in the literature in individuals affected with FLNA-related conditions. This variant is not present in population databases (gnomAD no frequency). This sequence change replaces serine, which is neutral and polar, with cysteine, which is neutral and slightly polar, at codon 1084 of the FLNA protein (p.Ser1084Cys).

NM_001110556.2(FLNA):c.3251C>G (p.Ser1084Cys)

Gene: FLNA (filamin A; minus strand). Cytogenetic location: Xq28.
Variant type: single nucleotide variant.
Coding change: c.3251C>G on transcript NM_001110556.2 (MANE Select); coding-DNA position 3251, C replaced by G.
Protein change: p.Ser1084Cys; replaces serine 1084 with cysteine.
Molecular consequence: missense variant.
Genome position (GRCh38, 1-based): chrX:154,360,544, G>C on the plus strand (C>G on the coding strand, the complement: FLNA is on the minus strand). VCF-style: chrX-154360544-G-C. GRCh37 (hg19) VCF-style: chrX-153588912-G-C.
Other names: c.3251C>G, p.Ser1084Cys (NM_001456.4); short protein forms S1084C.
Identifiers: ClinVar variation 2946582 (VCV002946582.3), dbSNP rs1557177797, ClinGen allele CA415229217.